The following is an entry in ClinVar:

ClinVar aggregate classification (germline): Pathogenic (1 of 4 stars; one submission).

Submission:

Labcorp Genetics (formerly Invitae), Labcorp
Classification: Pathogenic. Last evaluated: 2025-11-04. Review status: criteria provided, single submitter. Criteria: Invitae Variant Classification Sherloc (09022015). Collection method: clinical testing. Allele origin: germline.
Comment: This sequence change creates a premature translational stop signal (p.Val579Glyfs*13) in the LZTR1 gene. It is expected to result in an absent or disrupted protein product. Loss-of-function variants in LZTR1 are known to be pathogenic (PMID: 24362817, 25335493, 25480913, 25795793, 29469822, 30368668, 30442762, 30442766, 30481304, 30859559). This variant is not present in population databases (gnomAD no frequency). This variant has not been reported in the literature in individuals affected with LZTR1-related conditions. For these reasons, this variant has been classified as Pathogenic.

Literature cited by the submitters: PubMed 24362817; PubMed 25335493; PubMed 25480913; PubMed 25795793; PubMed 29469822; PubMed 30368668; PubMed 30442762; PubMed 30442766; PubMed 30481304; PubMed 30859559.

NM_006767.4(LZTR1):c.1736del (p.Val579fs)

Gene: LZTR1 (leucine zipper like post translational regulator 1; plus strand). Cytogenetic location: 22q11.21.
Variant type: Deletion.
Coding change: c.1736del on transcript NM_006767.4 (MANE Select); coding-DNA position 1736, one base deleted (T; older notation c.1736delT).
Protein change: p.Val579fs; shifts the reading frame from valine 579.
Molecular consequence: frameshift variant.
Genome position (GRCh38, 1-based): chr22:20,994,678, T deleted. VCF-style (leftmost placement, unchanged base first): chr22-20994677-GT-G. GRCh37 (hg19) VCF-style: chr22-21348966-GT-G.
Other names: short protein forms V579fs.
Identifiers: ClinVar variation 4767646 (VCV004767646.1).